The following is an entry in ClinVar:

NM_018180.3(DHX32):c.682TAT[1] (p.Tyr229del)

Gene: DHX32 (DEAH-box helicase 32 (putative); minus strand). Cytogenetic location: 10q26.2.
Variant type: Microsatellite.
Coding change: c.682TAT[1] on transcript NM_018180.3 (MANE Select); one copy of the 3-base unit TAT starting at c.682; the reference has two copies in a row; one copy, 3 bases deleted.
Protein change: p.Tyr229del; deletes tyrosine 229.
Molecular consequence: inframe deletion.
Genome position (GRCh38, 1-based): chr10:125,859,765-125,859,767, ATA deleted on the plus strand (TAT on the coding strand, the reverse complement: DHX32 is on the minus strand); deleting any 3 consecutive bases within chr10:125,859,765-125,859,771 gives the same sequence; the position shown is the placement nearest the transcript's 3' end. VCF-style (leftmost placement, unchanged base first): chr10-125859764-CATA-C. GRCh37 (hg19) VCF-style: chr10-127548333-CATA-C.
Other names: short protein forms Y229del.
Identifiers: ClinVar variation 2017585 (VCV002017585.4), dbSNP rs1370610503, ClinGen allele CA596670847.

ClinVar aggregate classification (germline): Uncertain significance (1 of 4 stars; one submission).

Submission:

Labcorp Genetics (formerly Invitae), Labcorp
Classification: Uncertain significance. Last evaluated: 2023-11-06. Review status: criteria provided, single submitter. Criteria: Invitae Variant Classification Sherloc (09022015). Collection method: clinical testing. Allele origin: germline.
Comment: This variant, c.685_687del, results in the deletion of 1 amino acid(s) of the DHX32 protein (p.Tyr229del), but otherwise preserves the integrity of the reading frame. This variant is present in population databases (no rsID available, gnomAD 0.0009%). This variant has not been reported in the literature in individuals affected with DHX32-related conditions. Experimental studies and prediction algorithms are not available or were not evaluated, and the functional significance of this variant is currently unknown. In summary, the available evidence is currently insufficient to determine the role of this variant in disease. Therefore, it has been classified as a Variant of Uncertain Significance.